The following is an entry in ClinVar:

NM_001300836.3(PLEKHJ1):c.416C>T (p.Pro139Leu)

Genes: DOT1L (DOT1 like histone lysine methyltransferase; plus strand), PLEKHJ1 (pleckstrin homology domain containing J1; minus strand). Cytogenetic location: 19p13.3.
Variant type: single nucleotide variant.
Coding change: c.416C>T on transcript NM_001300836.3; coding-DNA position 416, C replaced by T.
Protein change: p.Pro139Leu; replaces proline 139 with leucine.
Molecular consequence: missense variant. On other transcripts: 3 prime UTR variant (2).
Genome position (GRCh38, 1-based): chr19:2,230,581, G>A on the plus strand (C>T on the coding strand, the complement: PLEKHJ1 is on the minus strand). VCF-style: chr19-2230581-G-A. GRCh37 (hg19) VCF-style: chr19-2230580-G-A.
Other names: c.*2234G>A (NM_001411141.1); c.*789G>A (NM_032482.3); short protein forms P139L.
Identifiers: ClinVar variation 2648968 (VCV002648968.22), dbSNP rs138828181, ClinGen allele CA9061980.

ClinVar aggregate classification (germline): Likely benign (1 of 4 stars; one submission).

Allele frequency attached by ClinVar (database versions not stated): 1000 Genomes Project 0.00220; 1000 Genomes Project 30x 0.00219.
gnomAD v4.1: 2,354 of 398,704 alleles (0.59%); highest among the groups gnomAD compares: Middle Eastern, 1.4%; 15 homozygotes.

Submission:

CeGaT Center for Human Genetics Tuebingen
Classification: Likely benign. Last evaluated: 2026-03-01. Review status: criteria provided, single submitter. Criteria: CeGaT Center For Human Genetics Tuebingen Variant Classification Criteria Version 2. Collection method: clinical testing. Allele origin: germline. Affected: yes. Observed: 6 variant alleles.
Comment: PLEKHJ1: BS2